The following is an entry in ClinVar:

NM_152564.5(VPS13B):c.8851C>A (p.Pro2951Thr)

Gene: VPS13B (vacuolar protein sorting 13 homolog B; plus strand). Cytogenetic location: 8q22.2.
Variant type: single nucleotide variant.
Coding change: c.8851C>A on transcript NM_152564.5 (MANE Select); coding-DNA position 8851, C replaced by A.
Protein change: p.Pro2951Thr; replaces proline 2951 with threonine.
Molecular consequence: missense variant.
Genome position (GRCh38, 1-based): chr8:99,819,979, C>A. VCF-style: chr8-99819979-C-A. GRCh37 (hg19) VCF-style: chr8-100832207-C-A.
Other names: c.8926C>A, p.Pro2976Thr (NM_017890.5); short protein forms P2951T, P2976T.
Identifiers: ClinVar variation 1717145 (VCV001717145.3), dbSNP rs2492015900, ClinGen allele CA371777016.

ClinVar aggregate classification (germline): Uncertain significance (1 of 4 stars; one submission).

Conditions:
Cohen syndrome (COH1). Also called: PEPPER SYNDROME; Cutis verticis gyrata, retinitis pigmentosa, and sensorineural deafness. Identifiers: Orphanet 193, MedGen C0265223, MONDO:0008999, OMIM 216550.

Submission:

Labcorp Genetics (formerly Invitae), Labcorp
Classification: Uncertain significance for Cohen syndrome. Last evaluated: 2022-10-16. Review status: criteria provided, single submitter. Criteria: Invitae Variant Classification Sherloc (09022015). Collection method: clinical testing. Allele origin: germline.
Comment: This sequence change replaces proline, which is neutral and non-polar, with threonine, which is neutral and polar, at codon 2976 of the VPS13B protein (p.Pro2976Thr). This variant is not present in population databases (gnomAD no frequency). This variant has not been reported in the literature in individuals affected with VPS13B-related conditions. Advanced modeling of protein sequence and biophysical properties (such as structural, functional, and spatial information, amino acid conservation, physicochemical variation, residue mobility, and thermodynamic stability) performed at Invitae indicates that this missense variant is not expected to disrupt VPS13B protein function. In summary, the available evidence is currently insufficient to determine the role of this variant in disease. Therefore, it has been classified as a Variant of Uncertain Significance.